The following is an entry in ClinVar:

ClinVar aggregate classification (germline): Pathogenic (1 of 4 stars; one submission).

Submission:

Labcorp Genetics (formerly Invitae), Labcorp
Classification: Pathogenic. Last evaluated: 2022-04-30. Review status: criteria provided, single submitter. Criteria: Invitae Variant Classification Sherloc (09022015). Collection method: clinical testing. Allele origin: germline.
Comment: This variant is a gross deletion of the genomic region encompassing exon(s) 1 of the VPS13A gene, which includes the initiator codon. This deletion extends beyond the assayed region for this gene and therefore may encompass additional genes. It is expected to result in an absent or disrupted protein product. Loss-of-function variants in VPS13A are known to be pathogenic (PMID: 12404112, 21598378). This variant has not been reported in the literature in individuals affected with VPS13A-related conditions. For these reasons, this variant has been classified as Pathogenic.

Literature cited by the submitters: PubMed 12404112; PubMed 21598378.

NC_000009.11:g.(?_79792611)_(79792730_?)del

Gene: VPS13A (vacuolar protein sorting 13 homolog A; plus strand). Cytogenetic location: 9q21.2.
Variant type: Deletion.
Identifiers: ClinVar variation 2427126 (VCV002427126.3).